The following is an entry in ClinVar:

ClinVar aggregate classification (germline): Pathogenic (1 of 4 stars; one submission).

Conditions:
Mucopolysaccharidosis type 1. Also called: IDUA deficiency; MPS I; Mucopolysaccharidosis Type I. Identifiers: Orphanet 579, MedGen C0023786, MONDO:0001586.

Submission:

Myriad Genetics, Inc.
Classification: Pathogenic for Mucopolysaccharidosis type 1. Last evaluated: 2023-09-27. Review status: criteria provided, single submitter. Criteria: Myriad Autosomal Dominant, Autosomal Recessive and X-Linked Classification Criteria (2023). Collection method: clinical testing. Allele origin: unknown.
Comment: NM_000203.3(IDUA):c.1419_1420ins13(R474Tfs*39) is expected to be pathogenic in the context of mucopolysaccharidosis type I. This variant is predicted to lead to an abnormal or absent protein product due to the creation of a premature termination codon in IDUA, a gene where loss-of-function variants are known to be pathogenic. Please note: this variant was assessed in the context of healthy population screening.

NM_000203.5(IDUA):c.1419_1420insACTGTCTCTTATA (p.Arg474fs)

Gene: IDUA (alpha-L-iduronidase; plus strand). Cytogenetic location: 4p16.3.
Variant type: Insertion.
Coding change: c.1419_1420insACTGTCTCTTATA on transcript NM_000203.5 (MANE Select); coding-DNA positions 1419 to 1420, ACTGTCTCTTATA inserted.
Protein change: p.Arg474fs; shifts the reading frame from arginine 474.
Molecular consequence: frameshift variant. On other transcripts: non-coding transcript variant (1).
Genome position: GRCh38 VCF-style: chr4-1003052-G-GACTGTCTCTTATA. GRCh37 (hg19) VCF-style: chr4-996840-G-GACTGTCTCTTATA.
Other names: c.1023_1024insACTGTCTCTTATA, p.Arg342fs (NM_001363576.1); short protein forms R342fs, R474fs.
Identifiers: ClinVar variation 5011742 (VCV005011742.1).